The following is an entry in ClinVar:

NM_001277115.2(DNAH11):c.1425+1G>T

Gene: DNAH11 (dynein axonemal heavy chain 11; plus strand). Cytogenetic location: 7p15.3.
Variant type: single nucleotide variant.
Coding change: c.1425+1G>T on transcript NM_001277115.2 (MANE Select); the canonical splice donor site of the intron after coding-DNA position 1425, G replaced by T.
Molecular consequence: splice donor variant.
Genome position (GRCh38, 1-based): chr7:21,570,300, G>T. VCF-style: chr7-21570300-G-T. GRCh37 (hg19) VCF-style: chr7-21609918-G-T.
Other names: NM_001277115.2:c.1425+1G>T.
Identifiers: ClinVar variation 3776907 (VCV003776907.1).

ClinVar aggregate classification (germline): Uncertain significance (1 of 4 stars; one submission).

Conditions:
Primary ciliary dyskinesia 7. Also called: CILIARY DYSKINESIA, PRIMARY, 7, WITH OR WITHOUT SITUS INVERSUS. Identifiers: Orphanet 244, MedGen C2678473, MONDO:0012748, OMIM 611884.

gnomAD v4.1: 1 of 1,585,068 alleles (0.000063%); highest among the groups gnomAD compares: Non-Finnish European, 0.000086%; no homozygotes.

Submission:

Broad Center for Mendelian Genomics, Broad Institute of MIT and Harvard
Classification: Uncertain significance for Primary ciliary dyskinesia 7. Last evaluated: 2025-02-10. Review status: criteria provided, single submitter. Criteria: ACMG Guidelines, 2015. Collection method: curation. Allele origin: germline. Inheritance: Autosomal recessive inheritance.
Comment: The c.1425+1G>T variant in DNAH11 has been reported in 1 individual with primary ciliary dyskinesia (PMID: 34210339), and has been identified in 0.00009% (1/1168950) of European (non-Finnish) chromosomes by the Genome Aggregation Database (gnomAD). Although this variant has been seen in the general population in a heterozygous state, its frequency is low enough to be consistent with a recessive carrier frequency. This variant is located in the 3' splice region. Computational tools predict a splicing impact, though this information is not predictive enough to determine pathogenicity. This variant is adjacent to an in-frame exon and is more likely to escape nonsense mediated decay (NMD) and result in a truncated protein. Loss of function of the DNAH11 gene is an established disease mechanism in autosomal recessive primary ciliary dyskinesia. In summary, the clinical significance of the c.1425+1G>T variant is uncertain. ACMG/AMP Criteria applied: PVS1_moderate, PM2_supporting (Richards 2015).